The following is an entry in ClinVar:

NM_000135.4(FANCA):c.2309G>A (p.Arg770His)

Gene: FANCA (FA complementation group A; minus strand). Cytogenetic location: 16q24.3.
Variant type: single nucleotide variant.
Coding change: c.2309G>A on transcript NM_000135.4 (MANE Select); coding-DNA position 2309, G replaced by A.
Protein change: p.Arg770His; replaces arginine 770 with histidine.
Molecular consequence: missense variant.
Genome position (GRCh38, 1-based): chr16:89,770,173, C>T on the plus strand (G>A on the coding strand, the complement: FANCA is on the minus strand). VCF-style: chr16-89770173-C-T. GRCh37 (hg19) VCF-style: chr16-89836581-C-T.
Other names: c.2309G>A, p.Arg770His (NM_001286167.3); short protein forms R770H.
Identifiers: ClinVar variation 1035228 (VCV001035228.13), dbSNP rs145552439, ClinGen allele CA8251798.

ClinVar aggregate classification (germline): Conflicting classifications of pathogenicity. Review status: criteria provided, conflicting classifications (1 of 4 stars). 4 submissions from 4 submitters: Uncertain significance (2); Benign (1). 1 of the submissions does not count toward it. Last evaluated 2025-12-19.

Conditions:
Fanconi anemia complementation group A (FANCA). Also called: Fanconi anemia, group A; FANCA-Related Fanconi Anemia. Identifiers: Orphanet 84, MedGen C3469521, MONDO:0009215, OMIM 227650.
Fanconi anemia (FA). Also called: Fanconi's anemia. Identifiers: Orphanet 84, MedGen C0015625, MeSH D005199, MONDO:0019391.

Allele frequency attached by ClinVar (database versions not stated): gnomAD exomes 0.00005; ExAC 0.00008; gnomAD 0.00008 and 0.00009; TOPMed 0.00012; ESP Exome Variant Server 0.00015.
gnomAD v4.1: 81 of 1,589,312 alleles (0.0051%); highest among the groups gnomAD compares: African/African-American, 0.023%; no homozygotes.

Submissions (4):

Labcorp Genetics (formerly Invitae), Labcorp
Classification: Benign for Fanconi anemia. Last evaluated: 2025-12-19. Review status: criteria provided, single submitter. Criteria: Invitae Variant Classification Sherloc (09022015). Collection method: clinical testing. Allele origin: germline.

Fulgent Genetics
Classification: Uncertain significance for Fanconi anemia complementation group A. Last evaluated: 2022-05-23. Review status: criteria provided, single submitter. Criteria: ACMG Guidelines, 2015. Collection method: clinical testing. Allele origin: unknown.

Genetic Services Laboratory, University of Chicago
Classification: Uncertain significance. Last evaluated: 2021-04-12. Review status: criteria provided, single submitter. Criteria: ACMG Guidelines, 2015. Collection method: clinical testing. Allele origin: germline. Affected: no.
Comment: DNA sequence analysis of the FANCA gene demonstrated a sequence change, c.2309G>A, in exon 25 that results in an amino acid change, p.Arg770His. This sequence change has been described in gnomAD with a frequency of 0.028% in the African sub-population (dbSNP rs145552439). The p.Arg770His change affects a poorly conserved amino acid residue located in a domain of the FANCA protein that is known to be functional. The p.Arg770His substitution appears to be benign using several in-silico pathogenicity prediction tools (SIFT, PolyPhen2, Align GVGD, REVEL). This sequence change does not appear to have been previously described in patients with FANCA-related disorders. Due to the lack of sufficient evidences, the clinical significance of the p.Arg770His change remains unknown at this time.

Natera, Inc.
Classification: Uncertain significance for Fanconi anemia. Last evaluated: 2020-04-27. Review status: no assertion criteria provided. Collection method: clinical testing. Allele origin: germline. Not counted in ClinVar's aggregate classification.